The following is an entry in ClinVar:

NM_000719.7(CACNA1C):c.2578C>T (p.Arg860Ter)

Gene: CACNA1C (calcium voltage-gated channel subunit alpha1 C; plus strand). Cytogenetic location: 12p13.33.
Variant type: single nucleotide variant.
Coding change: c.2578C>T on transcript NM_000719.7 (MANE Select); coding-DNA position 2578, C replaced by T.
Protein change: p.Arg860Ter; replaces arginine 860 with a stop codon.
Molecular consequence: nonsense.
Genome position (GRCh38, 1-based): chr12:2,593,260, C>T. VCF-style: chr12-2593260-C-T. GRCh37 (hg19) VCF-style: chr12-2702426-C-T.
Other names: c.2578C>T, p.Arg860Ter (NM_001129827.2, NM_001129829.2, NM_001129830.3 and 18 more transcripts); c.2569C>T, p.Arg857Ter (NM_001129844.2); short protein forms R857*, R860*.
Identifiers: ClinVar variation 4055971 (VCV004055971.2).

ClinVar aggregate classification (germline): Pathogenic. Review status: criteria provided, multiple submitters, no conflicts (2 of 4 stars). 2 submissions from 2 submitters: Pathogenic (2). Last evaluated 2025-07-15.

Conditions:
Long QT syndrome (LQTS). Identifiers: MedGen C0023976, MeSH D008133, MONDO:0002442. Disease mechanism: loss of function. Inheritance: Various modes of inheritance.

gnomAD v4.1: 2 of 1,613,622 alleles (0.00012%); highest among the groups gnomAD compares: African/African-American, 0.0013%; no homozygotes.

Submissions (2):

Labcorp Genetics (formerly Invitae), Labcorp
Classification: Pathogenic for Long QT syndrome. Last evaluated: 2025-07-15. Review status: criteria provided, single submitter. Criteria: Invitae Variant Classification Sherloc (09022015). Collection method: clinical testing. Allele origin: germline.
Comment: This sequence change creates a premature translational stop signal (p.Arg860*) in the CACNA1C gene. It is expected to result in an absent or disrupted protein product. However, the current clinical and genetic evidence is not sufficient to establish whether loss-of-function variants in CACNA1C cause disease. This variant is present in population databases (rs758786846, gnomAD 0.01%). This premature translational stop signal has been observed in individual(s) with CACNA1C-related conditions (internal data). In at least one individual the variant was observed to be de novo. For these reasons, this variant has been classified as Pathogenic.

GeneDx
Classification: Pathogenic. Last evaluated: 2024-12-20. Review status: criteria provided, single submitter. Criteria: GeneDx Variant Classification Process June 2021. Collection method: clinical testing. Allele origin: germline. Affected: yes.
Comment: Nonsense variant predicted to result in protein truncation or nonsense mediated decay in a gene for which loss of function is a known mechanism of disease; Not observed at significant frequency in large population cohorts (gnomAD); Has not been previously published as pathogenic or benign to our knowledge